The following is an entry in ClinVar:

ClinVar aggregate classification (germline): Conflicting classifications of pathogenicity. Review status: criteria provided, conflicting classifications (1 of 4 stars). 2 submissions from 2 submitters: Uncertain significance (1); Likely benign (1). Last evaluated 2026-01-24.

Conditions:
Primary ciliary dyskinesia. Also called: Ciliary dyskinesia. Identifiers: Orphanet 244, MedGen C0008780, MONDO:0016575, HP:0012265.

Allele frequency attached by ClinVar (database versions not stated): TOPMed 0.00002; ExAC 0.00003; gnomAD 0.00003.
gnomAD v4.1: 24 of 1,614,186 alleles (0.0015%); highest among the groups gnomAD compares: Admixed American, 0.012%; no homozygotes.

Submissions (2):

Labcorp Genetics (formerly Invitae), Labcorp
Classification: Likely benign for Primary ciliary dyskinesia. Last evaluated: 2026-01-24. Review status: criteria provided, single submitter. Criteria: Invitae Variant Classification Sherloc (09022015). Collection method: clinical testing. Allele origin: germline.

Ambry Genetics
Classification: Uncertain significance for Primary ciliary dyskinesia. Last evaluated: 2015-08-27. Review status: criteria provided, single submitter. Criteria: Ambry Variant Classification Scheme 2023. Collection method: clinical testing. Allele origin: germline.
Comment: The p.D120N variant (also known as c.358G>A), located in coding exon 4 of the DNAH5 gene, results from a G to A substitution at nucleotide position 358. The aspartic acid at codon 120 is replaced by asparagine, an amino acid with highly similar properties. This variant was not reported in population based cohorts in the following databases: Database of Single Nucleotide Polymorphisms (dbSNP), NHLBI Exome Sequencing Project (ESP), and 1000 Genomes Project. In the ESP, this variant was not observed in 6503 samples (13006 alleles) with coverage at this position. This amino acid position is well conserved in available vertebrate species. In addition, this alteration is predicted to be tolerated by in silico analysis. Since supporting evidence is limited at this time, the clinical significance of this variant remains unclear.

NM_001369.3(DNAH5):c.358G>A (p.Asp120Asn)

Gene: DNAH5 (dynein axonemal heavy chain 5; minus strand). Cytogenetic location: 5p15.2.
Variant type: single nucleotide variant.
Coding change: c.358G>A on transcript NM_001369.3 (MANE Select); coding-DNA position 358, G replaced by A.
Protein change: p.Asp120Asn; replaces aspartic acid 120 with asparagine.
Molecular consequence: missense variant.
Genome position (GRCh38, 1-based): chr5:13,923,360, C>T on the plus strand (G>A on the coding strand, the complement: DNAH5 is on the minus strand). VCF-style: chr5-13923360-C-T. GRCh37 (hg19) VCF-style: chr5-13923469-C-T.
Other names: short protein forms D120N.
Identifiers: ClinVar variation 1732982 (VCV001732982.7), dbSNP rs779957324, ClinGen allele CA3205205.